The following is an entry in ClinVar:

NM_138711.6(PPARG):c.-8-28053C>G

Gene: PPARG (peroxisome proliferator activated receptor gamma; plus strand). Cytogenetic location: 3p25.2.
Variant type: single nucleotide variant.
Coding change: c.-8-28053C>G on transcript NM_138711.6 (MANE Select); 28053 bases into the intron before 8 bases upstream of the start codon, C replaced by G.
Molecular consequence: intron variant. On other transcripts: missense variant (3).
Genome position (GRCh38, 1-based): chr3:12,351,651, C>G. VCF-style: chr3-12351651-C-G. GRCh37 (hg19) VCF-style: chr3-12393150-C-G.
Other names: c.59C>G, p.Thr20Arg (NM_001354668.2, NM_001374265.1, NM_015869.5); c.-8-28053C>G (NM_001354666.3, NM_138712.5, NM_005037.7 and 5 more transcripts); c.-435-28053C>G (NM_001354669.2); c.-9+6757C>G (NM_001374262.3); c.-2-28053C>G (NM_001374266.1, NM_001354670.2); short protein forms T20R.
Identifiers: ClinVar variation 3423315 (VCV003423315.2).
Genomic context (GRCh38, chr3:12,351,651, plus strand): 5'-TTATGGGTGAAACTCTGGGAGATTCTCCTATTGACCCAGAAAGCGATTCCTTCACTGATA[C>G]ACTGTCTGCAAACATATCACAAGGTAAAGTTCCTTCCAGATACGGCTATTGGGGACGTGG-3'

ClinVar aggregate classification (germline): Uncertain significance. Review status: criteria provided, multiple submitters, no conflicts (2 of 4 stars). 2 submissions from 2 submitters: Uncertain significance (2). Last evaluated 2026-01-15.

Conditions:
Inborn genetic diseases. Identifiers: MedGen C0950123, MeSH D030342.
PPARG-related disorder. Also called: PPARG-related disorders; PPARG-related condition.

gnomAD v4.1: 30 of 1,610,274 alleles (0.0019%); highest among the groups gnomAD compares: Non-Finnish European, 0.0025%; no homozygotes.

Submissions (2):

PreventionGenetics, part of Exact Sciences
Classification: Uncertain significance for PPARG-related condition. Last evaluated: 2026-01-15. Review status: criteria provided, single submitter. Criteria: ACMG Guidelines, 2015. Collection method: clinical testing. Allele origin: germline.
Comment: The PPARG c.59C>G variant is predicted to result in the amino acid substitution p.Thr20Arg. To our knowledge, this variant has not been reported in the literature. This variant is reported in 0.0050% of alleles in individuals of East Asian descent in gnomAD. At this time, the clinical significance of this variant is uncertain due to the absence of conclusive functional and genetic evidence.

Ambry Genetics
Classification: Uncertain significance for Inborn genetic diseases. Last evaluated: 2024-11-10. Review status: criteria provided, single submitter. Criteria: Ambry Variant Classification Scheme 2023. Collection method: clinical testing. Allele origin: germline.